The following is an entry in ClinVar:

NM_019074.4(DLL4):c.895A>G (p.Thr299Ala)

Gene: DLL4 (delta like canonical Notch ligand 4; plus strand). Cytogenetic location: 15q15.1.
Variant type: single nucleotide variant.
Coding change: c.895A>G on transcript NM_019074.4 (MANE Select); coding-DNA position 895, A replaced by G.
Protein change: p.Thr299Ala; replaces threonine 299 with alanine.
Molecular consequence: missense variant.
Genome position (GRCh38, 1-based): chr15:40,934,592, A>G. VCF-style: chr15-40934592-A-G. GRCh37 (hg19) VCF-style: chr15-41226790-A-G.
Other names: short protein forms T299A.
Identifiers: ClinVar variation 1436308 (VCV001436308.8), dbSNP rs1200516571, ClinGen allele CA391778475.

ClinVar aggregate classification (germline): Uncertain significance (1 of 4 stars; one submission).

Allele frequency attached by ClinVar (database versions not stated): gnomAD exomes below 0.00001 and 0.00001; TOPMed below 0.00001.
gnomAD v4.1: 3 of 1,613,908 alleles (0.00019%); highest among the groups gnomAD compares: Admixed American, 0.005%; no homozygotes.

Submission:

Labcorp Genetics (formerly Invitae), Labcorp
Classification: Uncertain significance. Last evaluated: 2021-12-03. Review status: criteria provided, single submitter. Criteria: Invitae Variant Classification Sherloc (09022015). Collection method: clinical testing. Allele origin: germline.
Comment: In summary, the available evidence is currently insufficient to determine the role of this variant in disease. Therefore, it has been classified as a Variant of Uncertain Significance. Algorithms developed to predict the effect of missense changes on protein structure and function (SIFT, PolyPhen-2, Align-GVGD) all suggest that this variant is likely to be disruptive. This variant has not been reported in the literature in individuals affected with DLL4-related conditions. This variant is present in population databases (no rsID available, gnomAD 0.003%). This sequence change replaces threonine, which is neutral and polar, with alanine, which is neutral and non-polar, at codon 299 of the DLL4 protein (p.Thr299Ala).